The following is an entry in ClinVar:

ClinVar aggregate classification (germline): Uncertain significance (1 of 4 stars; one submission).

Submission:

Labcorp Genetics (formerly Invitae), Labcorp
Classification: Uncertain significance. Last evaluated: 2022-09-06. Review status: criteria provided, single submitter. Criteria: Invitae Variant Classification Sherloc (09022015). Collection method: clinical testing. Allele origin: germline.
Comment: Algorithms developed to predict the effect of missense changes on protein structure and function output the following: SIFT: "Tolerated"; PolyPhen-2: "Benign"; Align-GVGD: "Class C0". The serine amino acid residue is found in multiple mammalian species, which suggests that this missense change does not adversely affect protein function. This variant has not been reported in the literature in individuals affected with SETD5-related conditions. This variant is not present in population databases (gnomAD no frequency). This sequence change replaces threonine, which is neutral and polar, with serine, which is neutral and polar, at codon 968 of the SETD5 protein (p.Thr968Ser). In summary, the available evidence is currently insufficient to determine the role of this variant in disease. Therefore, it has been classified as a Variant of Uncertain Significance.

NM_001080517.3(SETD5):c.2903C>G (p.Thr968Ser)

Gene: SETD5 (SET domain containing 5; plus strand). Cytogenetic location: 3p25.3.
Variant type: single nucleotide variant.
Coding change: c.2903C>G on transcript NM_001080517.3 (MANE Select); coding-DNA position 2903, C replaced by G.
Protein change: p.Thr968Ser; replaces threonine 968 with serine.
Molecular consequence: missense variant.
Genome position (GRCh38, 1-based): chr3:9,470,637, C>G. VCF-style: chr3-9470637-C-G. GRCh37 (hg19) VCF-style: chr3-9512321-C-G.
Other names: c.2609C>G, p.Thr870Ser (NM_001292043.2, NM_001349451.2); short protein forms T968S, T870S.
Identifiers: ClinVar variation 2088180 (VCV002088180.4), dbSNP rs1429710860, ClinGen allele CA351680639.